The following is an entry in ClinVar:

NM_018192.4(P3H2):c.382C>G (p.Leu128Val)

Gene: P3H2 (prolyl 3-hydroxylase 2; minus strand). Cytogenetic location: 3q28.
Variant type: single nucleotide variant.
Coding change: c.382C>G on transcript NM_018192.4 (MANE Select); coding-DNA position 382, C replaced by G.
Protein change: p.Leu128Val; replaces leucine 128 with valine.
Molecular consequence: missense variant. On other transcripts: intron variant (1).
Genome position (GRCh38, 1-based): chr3:190,120,350, G>C on the plus strand (C>G on the coding strand, the complement: P3H2 is on the minus strand). VCF-style: chr3-190120350-G-C. GRCh37 (hg19) VCF-style: chr3-189838139-G-C.
Other names: c.-64+1853C>G (NM_001134418.2); short protein forms L128V.
Identifiers: ClinVar variation 1397030 (VCV001397030.6), dbSNP rs2108531516, ClinGen allele CA355859594.
Genomic context (GRCh38, chr3:190,120,350, plus strand): 5'-TGCGCTGGAAGTCGCTGCGCACATCCTCGCTGACGCGGTGGCGGGATGCGGGGCCCCCGA[G>C]GCGCTGGGTCTCACAGCTGCGATAACAGCGCGCCCGCCCCAACAAGGAGCGGAAAAGGGG-3'
Protein context (NP_060662.2, residues 118-138): RCYRSCETQR[Leu128Val]GGPASRHRVS

ClinVar aggregate classification (germline): Uncertain significance (1 of 4 stars; one submission).

gnomAD v4.1: 1 of 1,580,190 alleles (0.000063%); highest among the groups gnomAD compares: Non-Finnish European, 0.000086%; no homozygotes.

Submission:

Labcorp Genetics (formerly Invitae), Labcorp
Classification: Uncertain significance. Last evaluated: 2021-12-15. Review status: criteria provided, single submitter. Criteria: Invitae Variant Classification Sherloc (09022015). Collection method: clinical testing. Allele origin: germline.
Comment: This variant has not been reported in the literature in individuals affected with P3H2-related conditions. In summary, the available evidence is currently insufficient to determine the role of this variant in disease. Therefore, it has been classified as a Variant of Uncertain Significance. Algorithms developed to predict the effect of missense changes on protein structure and function (SIFT, PolyPhen-2, Align-GVGD) all suggest that this variant is likely to be tolerated. This variant is not present in population databases (gnomAD no frequency). This sequence change replaces leucine, which is neutral and non-polar, with valine, which is neutral and non-polar, at codon 128 of the P3H2 protein (p.Leu128Val).